The following is an entry in ClinVar:

ClinVar aggregate classification (germline): Pathogenic/Likely pathogenic. Review status: criteria provided, multiple submitters, no conflicts (2 of 4 stars). 11 submissions from 11 submitters: Pathogenic (8); Likely pathogenic (2). 1 of the submissions does not count toward it. Last evaluated 2026-06-01.

Conditions:
CBS-related disorder. Also called: CBS-related condition.
Homocystinuria. Identifiers: MedGen C0019880, MONDO:0004737, HP:0002156.
Familial thoracic aortic aneurysm and aortic dissection (TAAD). Also called: Thoracic aortic aneurysms and dissections. Identifiers: Orphanet 91387, MedGen C4707243, MONDO:0019625.
Classic homocystinuria. Also called: Homocystinuria due to Cystathionine Beta-Synthase Deficiency; HOMOCYSTINURIA WITH OR WITHOUT RESPONSE TO PYRIDOXINE; Homocystinuria due to CBS deficiency; Cystathionine beta-synthase deficiency; CBS deficiency. Identifiers: Orphanet 394, MedGen C0751202, MONDO:0009352, OMIM 236200.
HYPERHOMOCYSTEINEMIA, THROMBOTIC, CBS-RELATED. Identifiers: MedGen C3150344, OMIM 236200.

Allele frequency attached by ClinVar (database versions not stated): gnomAD exomes 0.00001 and 0.00008; ExAC 0.00003; ESP Exome Variant Server 0.00008.
gnomAD v4.1: 3 of 41,866 alleles (0.0072%); highest among the groups gnomAD compares: African/African-American, 0.043%; no homozygotes.

Submissions (11):

PreventionGenetics, part of Exact Sciences
Classification: Pathogenic for CBS-related condition. Last evaluated: 2026-06-01. Review status: criteria provided, single submitter. Criteria: ACMG Guidelines, 2015. Collection method: clinical testing. Allele origin: germline.
Comment: The CBS c.1111G>A variant is predicted to result in the amino acid substitution p.Val371Met. This variant has been reported in multiple patients with homocystinuria, including at least 2 patients with biochemical markers and enzyme testing consistent with CBS deficiency (Gaustadnes et al. 2002. PubMed ID: 12124992; Oladipo et al. 2010. PubMed ID: 21030686; Kluijtmans et al. 1999. PubMed ID: 10364517). In vitro functional characterization showed that this variant leads to a >90% reduction in CBS activity (Kluijtmans et al. 1999. PubMed ID: 10364517). However, this variant didn’t affect growth in a yeast model (Mayfield et al. 2012. PubMed ID: 22267502). This variant is reported in 0.0062% of alleles in individuals of African descent in gnomAD. This variant is interpreted as pathogenic.

Labcorp Genetics (formerly Invitae), Labcorp
Classification: Pathogenic for HYPERHOMOCYSTEINEMIA, THROMBOTIC, CBS-RELATED. Last evaluated: 2025-12-21. Review status: criteria provided, single submitter. Criteria: Invitae Variant Classification Sherloc (09022015). Collection method: clinical testing. Allele origin: germline.
Comment: This sequence change replaces valine, which is neutral and non-polar, with methionine, which is neutral and non-polar, at codon 371 of the CBS protein (p.Val371Met). The frequency data for this variant in the population databases is considered unreliable, as metrics indicate poor data quality at this position in the gnomAD database. This missense change has been observed in individual(s) with homocystinuria (PMID: 12124992, 21030686; SOURCE: 10364517). ClinVar contains an entry for this variant (Variation ID: 212862). Invitae Evidence Modeling of protein sequence and biophysical properties (such as structural, functional, and spatial information, amino acid conservation, physicochemical variation, residue mobility, and thermodynamic stability) indicates that this missense variant is expected to disrupt CBS protein function with a positive predictive value of 95%. Experimental studies have shown that this missense change affects CBS function (PMID: 22267502). For these reasons, this variant has been classified as Pathogenic.

Natera, Inc.
Classification: Likely pathogenic for Homocystinuria due to cystathionine beta-synthase deficiency. Last evaluated: 2025-11-12. Review status: criteria provided, single submitter. Criteria: Natera Variant Classification Schema (03/2026). Collection method: clinical testing. Allele origin: germline.
Comment: The c.1111G>A variant in CBS is a missense variant predicted to cause substitution of valine to methionine at amino acid 371. This variant is rare in the general population with a frequency below the threshold expected for the associated phenotype(s). This variant has been observed in one or more individuals affected with the associated recessive disease, as either homozygous or compound heterozygous with a second variant (PMID: 12124992, 10364517, 21030686). Computational prediction algorithms indicate this variant is likely to affect gene or protein function. Given the available evidence, this variant is classified as Likely Pathogenic.

Ambry Genetics
Classification: Likely pathogenic for Familial thoracic aortic aneurysm and aortic dissection. Last evaluated: 2025-11-04. Review status: criteria provided, single submitter. Criteria: Ambry Variant Classification Scheme 2023. Collection method: clinical testing. Allele origin: germline.
Comment: The p.V371M variant (also known as c.1111G>A), located in coding exon 10 of the CBS gene, results from a G to A substitution at nucleotide position 1111. The valine at codon 371 is replaced by methionine, an amino acid with highly similar properties. This variant has been reported in the compound heterozygous state with other pathogenic or likely pathogenic variants in the CBS gene in four patients reported to have homocystinuria; however, how the phase of the alterations was determined was not indicated (Kluijtmans LA et al. Hum. Genet., 1995 Aug;96:249-50Kluijtmans LA et al. Am. J. Hum. Genet., 1999 Jul;65:59-67; Gaustadnes M et al. Hum. Mutat., 2002 Aug;20:117-26; Oladipo O et al. Clin. Chem., 2010 Nov;56:1665-8). While one assay reported growth similar to wildtype when this variant was expressed in yeast (Mayfield JA et al. Genetics, 2012 Apr;190:1309-23), this variant resulted in a 90% reduction in enzyme activity compared to wildtype when expressed E. coli (Kluijtmans LA et al. Am. J. Hum. Genet., 1999 Jul;65:59-67). This amino acid position is highly conserved in available vertebrate species. In addition, this alteration is predicted to be deleterious by in silico analysis. This variant is considered to be rare based on population cohorts in the Genome Aggregation Database (gnomAD). Based on the majority of available evidence to date, this variant is likely to be pathogenic.

First Genomix Gene Laboratory, Genetic Diagnostics Department
Classification: Pathogenic for Classic homocystinuria. Last evaluated: 2025-08-29. Review status: criteria provided, single submitter. Criteria: ACMG Guidelines, 2015. Collection method: clinical testing. Allele origin: germline. Inheritance: Autosomal recessive inheritance. Affected: no. Observed: 1 variant allele.

Baylor Genetics
Classification: Pathogenic for Classic homocystinuria. Last evaluated: 2024-01-19. Review status: criteria provided, single submitter. Criteria: ACMG Guidelines, 2015. Collection method: clinical testing. Allele origin: unknown.

Women's Health and Genetics/Laboratory Corporation of America, LabCorp
Classification: Pathogenic for Homocystinuria. Last evaluated: 2023-10-23. Review status: criteria provided, single submitter. Criteria: LabCorp Variant Classification Summary - May 2015. Collection method: clinical testing. Allele origin: germline.
Comment: Variant summary: CBS c.1111G>A (p.Val371Met) results in a conservative amino acid change in the encoded protein sequence. Four of five in-silico tools predict a damaging effect of the variant on protein function. The variant allele was found at a frequency of 8.1e-06 in 247926 control chromosomes. c.1111G>A has been reported in the literature in individuals affected with Homocystinuria in the compound heterozygous state (Kluijtmans_1999, Gaustadnes_2002, Oladipo_2010). These data indicate that the variant is likely to be associated with disease. The variant was reported to lead to reduced levels of enzyme activity in cultured fibroblasts and a transfected e. coli expression system (Kluijtmans_1999). The following publications have been ascertained in the context of this evaluation (PMID: 12124992, 10364517, 21030686). Six submitters have cited clinical-significance assessments for this variant to ClinVar after 2014. All submitters classified the variant as pathogenic/likely pathogenic. Based on the evidence outlined above, the variant was classified as pathogenic.

Fulgent Genetics
Classification: Pathogenic for Classic homocystinuria. Last evaluated: 2021-10-01. Review status: criteria provided, single submitter. Criteria: ACMG Guidelines, 2015. Collection method: clinical testing. Allele origin: unknown.

Revvity Omics, Revvity
Classification: Pathogenic for Classic homocystinuria. Last evaluated: 2021-04-15. Review status: criteria provided, single submitter. Criteria: ACMG Guidelines, 2015. Collection method: clinical testing. Allele origin: germline.

GeneDx
Classification: Pathogenic. Last evaluated: 2018-01-12. Review status: criteria provided, single submitter. Criteria: GeneDx Variant Classification (06012015). Collection method: clinical testing. Allele origin: germline. Affected: yes.
Comment: p.Val371Met (GTG>ATG): c.1111 G>A in exon 12 of the CBS gene (NM_000071.2). The Val371Met mutation in the CBS gene has been reported in association with homocystinuria (Kluijtmans L et al., 1995). Kluijtmans et al. reported Val371Met in one individual with homocystinuria, who also harbored another mutation in the CBS gene. Val371Met results in a conservative amino acid substitution of one non-polar amino acid with another at a position that is conserved across species. Mutations in nearby residues (Cys370Tyr, Asp376Asn, Arg379Trp, Arg379Gln) have been reported in association with homocystinuria, further supporting the functional importance of this region of the protein. In summary, Val371Met in the CBS gene is interpreted as a disease-causing mutation. This variant was found in TAAD

Counsyl
Classification: Likely pathogenic for Classic homocystinuria. Last evaluated: 2016-08-05. Review status: no assertion criteria provided. Collection method: clinical testing. Allele origin: unknown. Not counted in ClinVar's aggregate classification.

Literature cited by the submitters: PubMed 12124992 (cited by 5 submitters); PubMed 21030686 (cited by 5 submitters); PubMed 10364517 (cited by 5 submitters); PubMed 22267502 (cited by 3 submitters); PubMed 17327360 (cited by Ambry Genetics); PubMed 18708589 (cited by Ambry Genetics); PubMed 25087612 (cited by Ambry Genetics); PubMed 7635485 (cited by Ambry Genetics).

NM_000071.3(CBS):c.1111G>A (p.Val371Met)

Gene: CBS (cystathionine beta-synthase; minus strand). Cytogenetic location: 21q22.3.
Variant type: single nucleotide variant.
Coding change: c.1111G>A on transcript NM_000071.3 (MANE Select); coding-DNA position 1111, G replaced by A.
Protein change: p.Val371Met; replaces valine 371 with methionine.
Molecular consequence: missense variant.
Genome position (GRCh38, 1-based): chr21:43,060,475, C>T on the plus strand (G>A on the coding strand, the complement: CBS is on the minus strand). VCF-style: chr21-43060475-C-T. GRCh37 (hg19) VCF-style: chr21-44480585-C-T.
Other names: p.V371M:GTG>ATG; c.1111G>A, p.Val371Met (NM_001178008.3, NM_001178009.3, NM_001320298.2); c.796G>A, p.Val266Met (NM_001321072.1); short protein forms V371M, V266M.
Identifiers: ClinVar variation 212862 (VCV000212862.29), dbSNP rs372010465, ClinGen allele CA320805.
Genomic context (GRCh38, chr21:43,060,475, plus strand): 5'-GACCTGGGAGGGAAGCCGTGTCTTACATGTAGTTCCGCACTGAGTCGGGCAGAATGACCA[C>T]GCAGCGCTGGCCCTCCTGCAGCTCCTGCGCGGCCTTCACGGCCACCGCCACCGTGCTGCC-3'
Protein context (NP_000062.1, residues 361-381): AQELQEGQRC[Val371Met]VILPDSVRNY